The following is an entry in ClinVar:

ClinVar aggregate classification (germline): Uncertain significance (1 of 4 stars; one submission).

Submission:

GeneDx
Classification: Uncertain significance. Last evaluated: 2023-12-31. Review status: criteria provided, single submitter. Criteria: GeneDx Variant Classification Process June 2021. Collection method: clinical testing. Allele origin: germline. Affected: yes.
Comment: Not observed at significant frequency in large population cohorts (gnomAD); In silico analysis supports that this missense variant has a deleterious effect on protein structure/function; Has not been previously published as pathogenic or benign to our knowledge

NM_001042681.2(RERE):c.1787A>T (p.Asp596Val)

Gene: RERE (arginine-glutamic acid dipeptide repeats; minus strand). Cytogenetic location: 1p36.23.
Variant type: single nucleotide variant.
Coding change: c.1787A>T on transcript NM_001042681.2 (MANE Select); coding-DNA position 1787, A replaced by T.
Protein change: p.Asp596Val; replaces aspartic acid 596 with valine.
Molecular consequence: missense variant.
Genome position (GRCh38, 1-based): chr1:8,362,798, T>A on the plus strand (A>T on the coding strand, the complement: RERE is on the minus strand). VCF-style: chr1-8362798-T-A. GRCh37 (hg19) VCF-style: chr1-8422858-T-A.
Other names: c.125A>T, p.Asp42Val (NM_001042682.2); c.1787A>T, p.Asp596Val (NM_012102.4); short protein forms D42V, D596V.
Identifiers: ClinVar variation 3367442 (VCV003367442.1).